The following is an entry in ClinVar:

NM_144670.6(A2ML1):c.2441A>G (p.Asn814Ser)

Gene: A2ML1 (alpha-2-macroglobulin like 1; plus strand). Cytogenetic location: 12p13.31.
Variant type: single nucleotide variant.
Coding change: c.2441A>G on transcript NM_144670.6 (MANE Select); coding-DNA position 2441, A replaced by G.
Protein change: p.Asn814Ser; replaces asparagine 814 with serine.
Molecular consequence: missense variant.
Genome position (GRCh38, 1-based): chr12:8,851,990, A>G. VCF-style: chr12-8851990-A-G. GRCh37 (hg19) VCF-style: chr12-9004586-A-G.
Other names: c.968A>G, p.Asn323Ser (NM_001282424.3); short protein forms N323S, N814S.
Identifiers: ClinVar variation 698833 (VCV000698833.11), dbSNP rs760788803, ClinGen allele CA6436015.

ClinVar aggregate classification (germline): Likely benign. Review status: criteria provided, multiple submitters, no conflicts (2 of 4 stars). 3 submissions from 3 submitters: Likely benign (2). 1 of the submissions does not count toward it. Last evaluated 2025-12-13.

Conditions:
A2ML1-related disorder. Also called: A2ML1-related condition.

Allele frequency attached by ClinVar (database versions not stated): gnomAD 0.00006; gnomAD exomes 0.00011 and 0.00028; TOPMed 0.00014; ExAC 0.00029.
gnomAD v4.1: 173 of 1,614,008 alleles (0.011%); highest among the groups gnomAD compares: Admixed American, 0.11%; no homozygotes.

Submissions (3):

Labcorp Genetics (formerly Invitae), Labcorp
Classification: Likely benign. Last evaluated: 2025-12-13. Review status: criteria provided, single submitter. Criteria: Invitae Variant Classification Sherloc (09022015). Collection method: clinical testing. Allele origin: germline.

Women's Health and Genetics/Laboratory Corporation of America, LabCorp
Classification: Likely benign. Last evaluated: 2022-02-12. Review status: criteria provided, single submitter. Criteria: LabCorp Variant Classification Summary - May 2015. Collection method: clinical testing. Allele origin: germline.

PreventionGenetics, part of Exact Sciences
Classification: Likely benign for A2ML1-related condition. Last evaluated: 2023-01-18. Review status: no assertion criteria provided. Collection method: clinical testing. Allele origin: germline. Not counted in ClinVar's aggregate classification.
Comment: This variant is classified as likely benign based on ACMG/AMP sequence variant interpretation guidelines (Richards et al. 2015 PMID: 25741868, with internal and published modifications).